The following is an entry in ClinVar:

NM_024649.5(BBS1):c.1776C>T (p.Ala592=)

Genes: BBS1 (Bardet-Biedl syndrome 1; plus strand), ZDHHC24 (zDHHC palmitoyltransferase 24; minus strand). Cytogenetic location: 11q13.2.
Variant type: single nucleotide variant.
Coding change: c.1776C>T on transcript NM_024649.5 (MANE Select); coding-DNA position 1776, C replaced by T.
Protein change: p.Ala592=; no amino-acid change (alanine 592 retained).
Molecular consequence: synonymous variant. On other transcripts: intron variant (1).
Genome position (GRCh38, 1-based): chr11:66,532,031, C>T. VCF-style: chr11-66532031-C-T. GRCh37 (hg19) VCF-style: chr11-66299502-C-T.
Other names: c.560-2543G>A (NM_001348571.2); c.1776C>T (NM_024649.4).
Identifiers: ClinVar variation 1110464 (VCV001110464.13), dbSNP rs1489468740, ClinGen allele CA475342485.

ClinVar aggregate classification (germline): Likely benign. Review status: criteria provided, multiple submitters, no conflicts (2 of 4 stars). 4 submissions from 4 submitters: Likely benign (3). 1 of the submissions does not count toward it. Last evaluated 2026-01-25.

Conditions:
BBS1-related disorder. Also called: BBS1-related condition.
Bardet-Biedl syndrome (BBS). Identifiers: Orphanet 110, MedGen C0752166, MONDO:0015229.
Bardet-Biedl syndrome 1 (BBS1). Identifiers: MedGen C2936862, MONDO:0008854, OMIM 209900. Disease mechanism: loss of function.

Allele frequency attached by ClinVar (database versions not stated): gnomAD 0.00001; gnomAD exomes 0.00002.
gnomAD v4.1: 33 of 1,603,474 alleles (0.0021%); highest among the groups gnomAD compares: South Asian, 0.013%; no homozygotes.

Submissions (4):

Labcorp Genetics (formerly Invitae), Labcorp
Classification: Likely benign for Bardet-Biedl syndrome. Last evaluated: 2026-01-25. Review status: criteria provided, single submitter. Criteria: Invitae Variant Classification Sherloc (09022015). Collection method: clinical testing. Allele origin: germline.

Blueprint Genetics
Classification: Likely benign. Last evaluated: 2022-07-29. Review status: criteria provided, single submitter. Criteria: ACMG Guidelines, 2015. Collection method: clinical testing. Allele origin: germline.

Fulgent Genetics
Classification: Likely benign for Bardet-Biedl syndrome 1. Last evaluated: 2022-02-16. Review status: criteria provided, single submitter. Criteria: ACMG Guidelines, 2015. Collection method: clinical testing. Allele origin: unknown.

PreventionGenetics, part of Exact Sciences
Classification: Likely benign for BBS1-related condition. Last evaluated: 2024-01-04. Review status: no assertion criteria provided. Collection method: clinical testing. Allele origin: germline. Not counted in ClinVar's aggregate classification.
Comment: This variant is classified as likely benign based on ACMG/AMP sequence variant interpretation guidelines (Richards et al. 2015 PMID: 25741868, with internal and published modifications).